The following is an entry in ClinVar:

NM_000388.4(CASR):c.1895del (p.Gly632fs)

Gene: CASR (calcium sensing receptor; plus strand). Cytogenetic location: 3q21.1.
Variant type: Deletion.
Coding change: c.1895del on transcript NM_000388.4 (MANE Select); coding-DNA position 1895, one base deleted (G; older notation c.1895delG).
Protein change: p.Gly632fs; shifts the reading frame from glycine 632.
Molecular consequence: frameshift variant.
Genome position (GRCh38, 1-based): chr3:122,283,849, G deleted; the last of 3 consecutive G bases (chr3:122,283,847-122,283,849); deleting any one gives the same sequence. VCF-style (leftmost placement, unchanged base first): chr3-122283846-TG-T. GRCh37 (hg19) VCF-style: chr3-122002693-TG-T.
Other names: c.1925del, p.Gly642fs (NM_001178065.2); short protein forms G632fs, G642fs.
Identifiers: ClinVar variation 4786071 (VCV004786071.1).

ClinVar aggregate classification (germline): Pathogenic (1 of 4 stars; one submission).

Conditions:
Autosomal dominant hypocalcemia 1 (HYPOC1). Also called: HYPOCALCEMIA, FAMILIAL. Identifiers: MedGen C3715128, MONDO:0011013, OMIM 601198.
Familial hypocalciuric hypercalcemia (FHH). Also called: Familial benign hypercalcemia. Identifiers: Orphanet 405, MedGen C1809471, MONDO:0018458.

Submission:

Labcorp Genetics (formerly Invitae), Labcorp
Classification: Pathogenic for Familial hypocalciuric hypercalcemia; Autosomal dominant hypocalcemia 1. Last evaluated: 2025-09-07. Review status: criteria provided, single submitter. Criteria: Invitae Variant Classification Sherloc (09022015). Collection method: clinical testing. Allele origin: germline.
Comment: This sequence change creates a premature translational stop signal (p.Gly632Valfs*66) in the CASR gene. While this is not anticipated to result in nonsense mediated decay, it is expected to disrupt the last 447 amino acid(s) of the CASR protein. This variant is not present in population databases (gnomAD no frequency). This variant has not been reported in the literature in individuals affected with CASR-related conditions. This variant disrupts a region of the CASR protein in which other variant(s) (p.Arg886Pro ) have been determined to be pathogenic (PMID: 11807402, 20798521). This suggests that this is a clinically significant region of the protein, and that variants that disrupt it are likely to be disease-causing. For these reasons, this variant has been classified as Pathogenic.

Literature cited by the submitters: PubMed 11807402; PubMed 20798521.